The following is an entry in ClinVar:

NM_001375567.1(FOCAD):c.4648C>A (p.Leu1550Ile)

Gene: FOCAD (focadhesin; plus strand). Cytogenetic location: 9p21.3.
Variant type: single nucleotide variant.
Coding change: c.4648C>A on transcript NM_001375567.1 (MANE Select); coding-DNA position 4648, C replaced by A.
Protein change: p.Leu1550Ile; replaces leucine 1550 with isoleucine.
Molecular consequence: missense variant.
Genome position (GRCh38, 1-based): chr9:20,982,366, C>A. VCF-style: chr9-20982366-C-A. GRCh37 (hg19) VCF-style: chr9-20982365-C-A.
Other names: c.4543C>A, p.Leu1515Ile (NM_001375568.1, NM_001375570.1); c.4648C>A, p.Leu1550Ile (NM_017794.5); short protein forms L1550I, L1515I.
Identifiers: ClinVar variation 3650633 (VCV003650633.2).
Genomic context (GRCh38, chr9:20,982,366, plus strand): 5'-ACCTGTTATTTTACACTGTTTGTTGACATGTTTGGGATTTTTCTTTATCAGAGAAAGGAT[C>A]TAGAGCTGTATATCAGCATAGCAAAATGCCTCTTAGAAATGACAGATGATGATGCCAATC-3'
Protein context (NP_001362496.1, residues 1540-1560): LLPNKIRRKD[Leu1550Ile]ELYISIAKCL

ClinVar aggregate classification (germline): Uncertain significance (1 of 4 stars; one submission).

Submission:

Labcorp Genetics (formerly Invitae), Labcorp
Classification: Uncertain significance. Last evaluated: 2024-07-10. Review status: criteria provided, single submitter. Criteria: Invitae Variant Classification Sherloc (09022015). Collection method: clinical testing. Allele origin: germline.
Comment: This sequence change replaces leucine, which is neutral and non-polar, with isoleucine, which is neutral and non-polar, at codon 1550 of the FOCAD protein (p.Leu1550Ile). This variant is not present in population databases (gnomAD no frequency). This variant has not been reported in the literature in individuals affected with FOCAD-related conditions. An algorithm developed to predict the effect of missense changes on protein structure and function outputs the following: PolyPhen-2: "Not Available". The isoleucine amino acid residue is found in multiple mammalian species, which suggests that this missense change does not adversely affect protein function. In summary, the available evidence is currently insufficient to determine the role of this variant in disease. Therefore, it has been classified as a Variant of Uncertain Significance.